The following is an entry in ClinVar:

NM_000052.7(ATP7A):c.3374A>G (p.Asn1125Ser)

Gene: ATP7A (ATPase copper transporting alpha; plus strand). Cytogenetic location: Xq21.1.
Variant type: single nucleotide variant.
Coding change: c.3374A>G on transcript NM_000052.7 (MANE Select); coding-DNA position 3374, A replaced by G.
Protein change: p.Asn1125Ser; replaces asparagine 1125 with serine.
Molecular consequence: missense variant. On other transcripts: non-coding transcript variant (1).
Genome position (GRCh38, 1-based): chrX:78,033,684, A>G. VCF-style: chrX-78033684-A-G. GRCh37 (hg19) VCF-style: chrX-77289182-A-G.
Other names: p.Asn1125Ser; c.3140A>G, p.Asn1047Ser (NM_001282224.2); short protein forms N1125S, N1047S.
Identifiers: ClinVar variation 465117 (VCV000465117.10), dbSNP rs782764064, ClinGen allele CA10459409.

ClinVar aggregate classification (germline): Likely benign. Review status: criteria provided, multiple submitters, no conflicts (2 of 4 stars). 2 submissions from 2 submitters: Likely benign (2). Last evaluated 2025-12-06.

Conditions:
Cutis laxa, X-linked (OHS). Also called: EDS IX; Occipital horn syndrome. Identifiers: Orphanet 198, MedGen C0268353, MONDO:0010572, OMIM 304150.
Menkes kinky-hair syndrome (MNK). Also called: Classic Menkes Disease; Copper transport disease; Menkes Disease. Identifiers: Orphanet 565, MedGen C0022716, MONDO:0010651, OMIM 309400.
X-linked distal spinal muscular atrophy type 3. Also called: SPINAL MUSCULAR ATROPHY, DISTAL, X-LINKED RECESSIVE; ATP7A-Related Distal Motor Neuropathy; NEURONOPATHY, DISTAL HEREDITARY MOTOR, X-LINKED; NEUROPATHY, DISTAL HEREDITARY MOTOR, X-LINKED. Identifiers: Orphanet 139557, MedGen C1845359, MONDO:0010338, OMIM 300489.

Allele frequency attached by ClinVar (database versions not stated): TOPMed 0.00001; ExAC 0.00003; gnomAD 0.00003; gnomAD exomes 0.00003 and 0.00004.
gnomAD v4.1: 50 of 1,209,261 alleles (0.0041%); highest among the groups gnomAD compares: Non-Finnish European, 0.0055%; no homozygotes.

Submissions (2):

Mayo Clinic Laboratories, Mayo Clinic
Classification: Likely benign. Last evaluated: 2025-12-06. Review status: criteria provided, single submitter. Criteria: ACMG Guidelines, 2015. Collection method: clinical testing. Allele origin: germline. Observed: 1 variant allele.
Comment: BS2

Labcorp Genetics (formerly Invitae), Labcorp
Classification: Likely benign for X-linked distal spinal muscular atrophy type 3; Cutis laxa, X-linked; Menkes kinky-hair syndrome. Last evaluated: 2025-09-18. Review status: criteria provided, single submitter. Criteria: Invitae Variant Classification Sherloc (09022015). Collection method: clinical testing. Allele origin: germline.